The following is an entry in ClinVar:

ClinVar aggregate classification (germline): Uncertain significance (1 of 4 stars; one submission).

Conditions:
NRP1-related disorder. Also called: NRP1-related condition.

gnomAD v4.1: 27 of 1,613,680 alleles (0.0017%); highest among the groups gnomAD compares: Non-Finnish European, 0.0023%; no homozygotes.

Submission:

PreventionGenetics, part of Exact Sciences
Classification: Uncertain significance for NRP1-related condition. Last evaluated: 2026-06-18. Review status: criteria provided, single submitter. Criteria: ACMG Guidelines, 2015. Collection method: clinical testing. Allele origin: germline.
Comment: The NRP1 c.539C>T variant is predicted to result in the amino acid substitution p.Pro180Leu. To our knowledge, this variant has not been reported in the literature. This variant is reported in 0.00088% of alleles in individuals of European (Non-Finnish) descent in gnomAD. At this time, the clinical significance of this variant is uncertain due to the absence of conclusive functional and genetic evidence.

NM_003873.7(NRP1):c.539C>T (p.Pro180Leu)

Genes: NRP1 (neuropilin 1; minus strand), LOC126860910 (P300/CBP strongly-dependent group 1 enhancer GRCh37_chr10:33552654-33553853; plus strand). Cytogenetic location: 10p11.22.
Variant type: single nucleotide variant.
Coding change: c.539C>T on transcript NM_003873.7 (MANE Select); coding-DNA position 539, C replaced by T.
Protein change: p.Pro180Leu; replaces proline 180 with leucine.
Molecular consequence: missense variant. On other transcripts: non-coding transcript variant (1).
Genome position (GRCh38, 1-based): chr10:33,263,765, G>A on the plus strand (C>T on the coding strand, the complement: NRP1 is on the minus strand). VCF-style: chr10-33263765-G-A. GRCh37 (hg19) VCF-style: chr10-33552693-G-A.
Other names: c.539C>T, p.Pro180Leu (NM_001024628.3, NM_001024629.3, NM_001244972.2 and 2 more transcripts); short protein forms P180L.
Identifiers: ClinVar variation 4985285 (VCV004985285.1).